The following is an entry in ClinVar:

NM_001098426.2(SMARCD2):c.1471G>A (p.Glu491Lys)

Gene: SMARCD2 (SWI/SNF related BAF chromatin remodeling complex subunit D2; minus strand). Cytogenetic location: 17q23.3.
Variant type: single nucleotide variant.
Coding change: c.1471G>A on transcript NM_001098426.2 (MANE Select); coding-DNA position 1471, G replaced by A.
Protein change: p.Glu491Lys; replaces glutamic acid 491 with lysine.
Molecular consequence: missense variant.
Genome position (GRCh38, 1-based): chr17:63,833,140, C>T on the plus strand (G>A on the coding strand, the complement: SMARCD2 is on the minus strand). VCF-style: chr17-63833140-C-T. GRCh37 (hg19) VCF-style: chr17-61910500-C-T.
Other names: c.1246G>A, p.Glu416Lys (NM_001330439.1); c.1327G>A, p.Glu443Lys (NM_001330440.2); short protein forms E491K, E416K, E443K.
Identifiers: ClinVar variation 1428028 (VCV001428028.6), dbSNP rs2144624679, ClinGen allele CA400597850.

ClinVar aggregate classification (germline): Uncertain significance (1 of 4 stars; one submission).

Allele frequency attached by ClinVar (database versions not stated): gnomAD exomes below 0.00001.
gnomAD v4.1: 1 of 1,608,320 alleles (0.000062%); highest among the groups gnomAD compares: Non-Finnish European, 0.000085%; no homozygotes.

Submission:

Labcorp Genetics (formerly Invitae), Labcorp
Classification: Uncertain significance. Last evaluated: 2023-02-03. Review status: criteria provided, single submitter. Criteria: Invitae Variant Classification Sherloc (09022015). Collection method: clinical testing. Allele origin: germline.
Comment: In summary, the available evidence is currently insufficient to determine the role of this variant in disease. Therefore, it has been classified as a Variant of Uncertain Significance. Advanced modeling of protein sequence and biophysical properties (such as structural, functional, and spatial information, amino acid conservation, physicochemical variation, residue mobility, and thermodynamic stability) performed at Invitae indicates that this missense variant is not expected to disrupt SMARCD2 protein function. ClinVar contains an entry for this variant (Variation ID: 1428028). This variant has not been reported in the literature in individuals affected with SMARCD2-related conditions. This variant is not present in population databases (gnomAD no frequency). This sequence change replaces glutamic acid, which is acidic and polar, with lysine, which is basic and polar, at codon 491 of the SMARCD2 protein (p.Glu491Lys).